The following is an entry in ClinVar:

ClinVar aggregate classification (germline): Pathogenic (1 of 4 stars; one submission).

Conditions:
Renal carnitine transport defect (CDSP). Also called: Carnitine transporter deficiency; Carnitine Deficiency, Systemic; Primary carnitine deficiency; Systemic primary carnitine deficiency; Systemic primary carnitine deficiency disease; CARNITINE DEFICIENCY, SYSTEMIC, DUE TO DEFECT IN RENAL REABSORPTION OF CARNITINE. Identifiers: Orphanet 158, MedGen C0342788, MONDO:0008919, OMIM 212140.

Submission:

Labcorp Genetics (formerly Invitae), Labcorp
Classification: Pathogenic for Renal carnitine transport defect. Last evaluated: 2023-04-17. Review status: criteria provided, single submitter. Criteria: Invitae Variant Classification Sherloc (09022015). Collection method: clinical testing. Allele origin: germline.
Comment: For these reasons, this variant has been classified as Pathogenic. Algorithms developed to predict the effect of sequence changes on RNA splicing suggest that this variant may disrupt the consensus splice site. Disruption of this splice site has been observed in individuals with primary carnitine deficiency (PMID: 12210323, 17703373). This variant is not present in population databases (gnomAD no frequency). This sequence change affects a donor splice site in intron 3 of the SLC22A5 gene. It is expected to disrupt RNA splicing. Variants that disrupt the donor or acceptor splice site typically lead to a loss of protein function (PMID: 16199547), and loss-of-function variants in SLC22A5 are known to be pathogenic (PMID: 9916797).

Literature cited by the submitters: PubMed 12210323; PubMed 17703373; PubMed 16199547; PubMed 9916797.

NM_003060.4(SLC22A5):c.652+1G>T

Gene: SLC22A5 (solute carrier family 22 member 5; plus strand). Cytogenetic location: 5q31.1.
Variant type: single nucleotide variant.
Coding change: c.652+1G>T on transcript NM_003060.4 (MANE Select); the canonical splice donor site of the intron after coding-DNA position 652, G replaced by T.
Molecular consequence: splice donor variant.
Genome position (GRCh38, 1-based): chr5:132,384,302, G>T. VCF-style: chr5-132384302-G-T. GRCh37 (hg19) VCF-style: chr5-131719994-G-T.
Other names: c.724+1G>T (NM_001308122.2).
Identifiers: ClinVar variation 2852182 (VCV002852182.3), dbSNP rs386134200, ClinGen allele CA127208867.